The following is an entry in ClinVar:

NM_203447.4(DOCK8):c.5223+4A>G

Gene: DOCK8 (dedicator of cytokinesis 8; plus strand). Cytogenetic location: 9p24.3.
Variant type: single nucleotide variant.
Coding change: c.5223+4A>G on transcript NM_203447.4 (MANE Select); 4 bases into the intron after coding-DNA position 5223, A replaced by G.
Molecular consequence: intron variant.
Genome position (GRCh38, 1-based): chr9:439,392, A>G. VCF-style: chr9-439392-A-G. GRCh37 (hg19) VCF-style: chr9-439392-A-G.
Other names: c.5019+4A>G (NM_001193536.2); c.4923+4A>G (NM_001190458.2).
Identifiers: ClinVar variation 367023 (VCV000367023.19), dbSNP rs117109271, ClinGen allele CA4959348.

ClinVar aggregate classification (germline): Conflicting classifications of pathogenicity. Review status: criteria provided, conflicting classifications (1 of 4 stars). 4 submissions from 4 submitters: Uncertain significance (1); Likely benign (3). Last evaluated 2026-04-08.

Conditions:
Combined immunodeficiency due to DOCK8 deficiency (HIES2). Also called: HIES autosomal recessive; HYPER-IgE RECURRENT INFECTION SYNDROME 2, AUTOSOMAL RECESSIVE; Hyper-IgE recurrent infection syndrome, autosomal recessive; DOCK8 Deficiency; HYPER-IgE SYNDROME 2, AUTOSOMAL RECESSIVE, WITH RECURRENT INFECTIONS. Identifiers: Orphanet 217390, MedGen C4722305, MONDO:0009478, OMIM 243700.

Allele frequency attached by ClinVar (database versions not stated): gnomAD 0.00017 and 0.00027; gnomAD exomes 0.00022 and 0.00066; TOPMed 0.00035; ExAC 0.00058; 1000 Genomes Project 30x 0.00172; 1000 Genomes Project 0.00200.
gnomAD v4.1: 387 of 1,612,760 alleles (0.024%); highest among the groups gnomAD compares: East Asian, 0.54%; 3 homozygotes.

Submissions (4):

Women's Health and Genetics/Laboratory Corporation of America, LabCorp
Classification: Likely benign. Last evaluated: 2026-04-08. Review status: criteria provided, single submitter. Criteria: LabCorp Variant Classification Summary - May 2015. Collection method: clinical testing. Allele origin: germline.
Comment: Variant summary: DOCK8 c.5223+4A>G alters a conserved nucleotide located close to a canonical splice site and therefore could affect mRNA splicing, leading to a significantly altered protein sequence. Several computational tools predict a significant impact on normal splicing. However, these predictions have yet to be confirmed by functional studies. The variant allele was found at a frequency of 0.00066 in 249834 control chromosomes, predominantly at a frequency of 0.0077 within the East Asian subpopulation in the gnomAD database. The observed variant frequency within East Asian control individuals in the gnomAD database exceeds the estimated maximal expected allele frequency for disease-causing variants in DOCK8. To our knowledge, no occurrence of c.5223+4A>G in individuals affected with DOCK8-related conditions and no experimental evidence demonstrating its impact on protein function have been reported. ClinVar contains an entry for this variant (Variation ID: 367023). Based on the evidence outlined above, the variant was classified as likely benign.

Labcorp Genetics (formerly Invitae), Labcorp
Classification: Likely benign for Combined immunodeficiency due to DOCK8 deficiency. Last evaluated: 2026-02-02. Review status: criteria provided, single submitter. Criteria: Invitae Variant Classification Sherloc (09022015). Collection method: clinical testing. Allele origin: germline.

GeneDx
Classification: Uncertain significance. Last evaluated: 2025-06-25. Review status: criteria provided, single submitter. Criteria: GeneDx Variant Classification Process June 2021. Collection method: clinical testing. Allele origin: germline. Affected: yes.
Comment: In silico analysis supports a deleterious effect on splicing; Has not been previously published as pathogenic or benign to our knowledge

Illumina Laboratory Services, Illumina
Classification: Likely benign for Combined immunodeficiency due to DOCK8 deficiency. Last evaluated: 2018-01-13. Review status: criteria provided, single submitter. Criteria: ICSL Variant Classification Criteria 13 December 2019. Collection method: clinical testing. Allele origin: germline.
Comment: This variant was observed in the ICSL laboratory as part of a predisposition screen in an ostensibly healthy population. It had not been previously curated by ICSL or reported in the Human Gene Mutation Database (HGMD: prior to June 1st, 2018), and was therefore a candidate for classification through an automated scoring system. Utilizing variant allele frequency, disease prevalence and penetrance estimates, and inheritance mode, an automated score was calculated to assess if this variant is too frequent to cause the disease. Based on the score and internal cut-off values, a variant classified as likely benign is not then subjected to further curation. The score for this variant resulted in a classification of likely benign for this disease.